The following is an entry in ClinVar:

ClinVar aggregate classification (germline): Uncertain significance (1 of 4 stars; one submission).

gnomAD v4.1: 5 of 1,612,014 alleles (0.00031%); highest among the groups gnomAD compares: Non-Finnish European, 0.00042%; no homozygotes.

Submission:

Labcorp Genetics (formerly Invitae), Labcorp
Classification: Uncertain significance. Last evaluated: 2025-12-24. Review status: criteria provided, single submitter. Criteria: Invitae Variant Classification Sherloc (09022015). Collection method: clinical testing. Allele origin: germline.
Comment: This sequence change replaces alanine, which is neutral and non-polar, with threonine, which is neutral and polar, at codon 376 of the LMF1 protein (p.Ala376Thr). This variant is not present in population databases (gnomAD no frequency). This variant has not been reported in the literature in individuals affected with LMF1-related conditions. An algorithm developed to predict the effect of missense changes on protein structure and function outputs the following: PolyPhen-2: "Benign". The threonine amino acid residue is found in multiple mammalian species, which suggests that this missense change does not adversely affect protein function. In summary, the available evidence is currently insufficient to determine the role of this variant in disease. Therefore, it has been classified as a Variant of Uncertain Significance.

NM_022773.4(LMF1):c.1126G>A (p.Ala376Thr)

Gene: LMF1 (lipase maturation factor 1; minus strand). Cytogenetic location: 16p13.3.
Variant type: single nucleotide variant.
Coding change: c.1126G>A on transcript NM_022773.4 (MANE Select); coding-DNA position 1126, G replaced by A.
Protein change: p.Ala376Thr; replaces alanine 376 with threonine.
Molecular consequence: missense variant. On other transcripts: non-coding transcript variant (1).
Genome position (GRCh38, 1-based): chr16:870,835, C>T on the plus strand (G>A on the coding strand, the complement: LMF1 is on the minus strand). VCF-style: chr16-870835-C-T. GRCh37 (hg19) VCF-style: chr16-920835-C-T.
Other names: c.475G>A, p.Ala159Thr (NM_001352017.2, NM_001352021.2); c.727G>A, p.Ala243Thr (NM_001352018.2); c.799G>A, p.Ala267Thr (NM_001352019.2); c.1126G>A, p.Ala376Thr (NM_001352020.1); short protein forms A159T, A243T, A267T, A376T.
Identifiers: ClinVar variation 4796938 (VCV004796938.1).